The following is an entry in ClinVar:

ClinVar aggregate classification (germline): Benign/Likely benign. Review status: criteria provided, multiple submitters, no conflicts (2 of 4 stars). 3 submissions from 3 submitters: Benign (1); Likely benign (2). Last evaluated 2026-01-11.

Conditions:
Hereditary cancer-predisposing syndrome. Also called: Tumor predisposition; Hereditary neoplastic syndrome; Neoplastic Syndromes, Hereditary; Hereditary Cancer Syndrome. Identifiers: Orphanet 140162, MedGen C0027672, MeSH D009386, MONDO:0015356.
Hereditary diffuse gastric adenocarcinoma (HDGC). Also called: DIFFUSE GASTRIC AND LOBULAR BREAST CANCER SYNDROME. Identifiers: Orphanet 26106, MedGen C1708349, MONDO:0007648, OMIM 137215.

Allele frequency attached by ClinVar (database versions not stated): ExAC 0.00001; gnomAD 0.00001; gnomAD exomes 0.00001 and 0.00002; TOPMed 0.00002; ESP Exome Variant Server 0.00008; 1000 Genomes Project 0.00020; 1000 Genomes Project 30x 0.00031.
gnomAD v4.1: 11 of 1,614,220 alleles (0.00068%); highest among the groups gnomAD compares: South Asian, 0.0022%; no homozygotes.

Submissions (3):

Labcorp Genetics (formerly Invitae), Labcorp
Classification: Likely benign. Last evaluated: 2026-01-11. Review status: criteria provided, single submitter. Criteria: Invitae Variant Classification Sherloc (09022015). Collection method: clinical testing. Allele origin: germline.

Myriad Genetics, Inc.
Classification: Benign for Hereditary diffuse gastric adenocarcinoma. Last evaluated: 2024-10-10. Review status: criteria provided, single submitter. Criteria: Myriad Autosomal Dominant, Autosomal Recessive and X-Linked Classification Criteria (2023). Collection method: clinical testing. Allele origin: unknown.
Comment: This variant is considered benign. This variant is a silent/synonymous amino acid change and it is not expected to impact splicing.

Ambry Genetics
Classification: Likely benign for Hereditary cancer-predisposing syndrome. Last evaluated: 2020-06-22. Review status: criteria provided, single submitter. Criteria: Ambry Variant Classification Scheme 2023. Collection method: clinical testing. Allele origin: germline.

NM_001903.5(CTNNA1):c.966G>A (p.Ser322=)

Gene: CTNNA1 (catenin alpha 1; plus strand). Cytogenetic location: 5q31.2.
Variant type: single nucleotide variant.
Coding change: c.966G>A on transcript NM_001903.5 (MANE Select); coding-DNA position 966, G replaced by A.
Protein change: p.Ser322=; no amino-acid change (serine 322 retained).
Molecular consequence: synonymous variant.
Genome position (GRCh38, 1-based): chr5:138,827,622, G>A. VCF-style: chr5-138827622-G-A. GRCh37 (hg19) VCF-style: chr5-138163311-G-A.
Other names: c.966G>A, p.Ser322= (NM_001290307.3, NM_001323982.2, NM_001323983.1 and 3 more transcripts); c.657G>A, p.Ser219= (NM_001290309.3); c.597G>A, p.Ser199= (NM_001290310.3).
Identifiers: ClinVar variation 706199 (VCV000706199.14), dbSNP rs202198604, ClinGen allele CA3431598.